The following is an entry in ClinVar:

NM_032575.3(GLIS2):c.*173G>A

Gene: GLIS2 (GLIS family zinc finger 2; plus strand). Cytogenetic location: 16p13.3.
Variant type: single nucleotide variant.
Coding change: c.*173G>A on transcript NM_032575.3 (MANE Select); 173 bases downstream of the stop codon, G replaced by A.
Molecular consequence: 3 prime UTR variant.
Genome position (GRCh38, 1-based): chr16:4,337,697, G>A. VCF-style: chr16-4337697-G-A. GRCh37 (hg19) VCF-style: chr16-4387698-G-A.
Other names: NC_000016.9:g.4387698G>A; c.*173G>A (NM_001318918.2).
Identifiers: ClinVar variation 319232 (VCV000319232.8), dbSNP rs139029261, ClinGen allele CA10647475.

ClinVar aggregate classification (germline): Benign. Review status: criteria provided, multiple submitters, no conflicts (2 of 4 stars). 2 submissions from 2 submitters: Benign (2). Last evaluated 2019-10-07.

Conditions:
Nephronophthisis 7 (NPHP7). Identifiers: Orphanet 655, MedGen C1969092, MONDO:0012680, OMIM 611498.

Allele frequency attached by ClinVar (database versions not stated): gnomAD 0.01570 and 0.01688; 1000 Genomes Project 0.01677; TOPMed 0.01764; 1000 Genomes Project 30x 0.01796.
gnomAD v4.1: 3,702 of 927,522 alleles (0.4%); highest among the groups gnomAD compares: African/African-American, 5.4%; 121 homozygotes.

Submissions (6):

GeneDx
Classification: Benign. Last evaluated: 2019-10-07. Review status: criteria provided, single submitter. Criteria: GeneDx Variant Classification Process June 2021. Collection method: clinical testing. Allele origin: germline. Affected: yes.

Illumina Laboratory Services, Illumina
Classification: Benign for Nephronophthisis 7. Last evaluated: 2018-01-12. Review status: criteria provided, single submitter. Criteria: ICSL Variant Classification Criteria 13 December 2019. Collection method: clinical testing. Allele origin: germline.
Comment: This variant was observed in the ICSL laboratory as part of a predisposition screen in an ostensibly healthy population. It had not been previously curated by ICSL or reported in the Human Gene Mutation Database (HGMD: prior to June 1st, 2018), and was therefore a candidate for classification through an automated scoring system. Utilizing variant allele frequency, disease prevalence and penetrance estimates, and inheritance mode, an automated score was calculated to assess if this variant is too frequent to cause the disease. Based on the score and internal cut-off values, a variant classified as benign is not then subjected to further curation. The score for this variant resulted in a classification of benign for this disease.

Dr. Peter K. Rogan Lab, Western University
No classification provided (evidence only). Condition: Familial cancer of breast. Review status: no classification provided. Collection method: in vitro. Allele origin: not applicable. Functional consequence: retained intron. Not counted in ClinVar's aggregate classification.

Dr. Peter K. Rogan Lab, Western University
No classification provided (evidence only). Condition: Uterine corpus endometrial carcinoma. Review status: no classification provided. Collection method: in vitro. Allele origin: not applicable. Functional consequence: retained intron. Not counted in ClinVar's aggregate classification.

Dr. Peter K. Rogan Lab, Western University
No classification provided (evidence only). Condition: Cervical cancer. Review status: no classification provided. Collection method: in vitro. Allele origin: not applicable. Functional consequence: retained intron. Not counted in ClinVar's aggregate classification.

Dr. Peter K. Rogan Lab, Western University
No classification provided (evidence only). Condition: Sarcoma. Review status: no classification provided. Collection method: in vitro. Allele origin: not applicable. Functional consequence: retained intron. Not counted in ClinVar's aggregate classification.